The following is an entry in ClinVar:

NM_000138.5(FBN1):c.737-9A>G

Gene: FBN1 (fibrillin 1; minus strand). Cytogenetic location: 15q21.1.
Variant type: single nucleotide variant.
Coding change: c.737-9A>G on transcript NM_000138.5 (MANE Select); 9 bases into the intron before coding-DNA position 737, A replaced by G.
Molecular consequence: intron variant.
Genome position (GRCh38, 1-based): chr15:48,534,214, T>C on the plus strand (A>G on the coding strand, the complement: FBN1 is on the minus strand). VCF-style: chr15-48534214-T-C. GRCh37 (hg19) VCF-style: chr15-48826411-T-C.
Identifiers: ClinVar variation 406270 (VCV000406270.8), dbSNP rs1060501020, ClinGen allele CA16614841.

ClinVar aggregate classification (germline): Uncertain significance (1 of 4 stars; one submission).

Conditions:
Marfan syndrome (MFS). Also called: Marfan syndrome, classic; Marfan syndrome type 1; Marfan's syndrome; MARFAN SYNDROME, TYPE I; FBN1-Related Marfan Syndrome. Identifiers: Orphanet 284963, Orphanet 558, MedGen C0024796, MONDO:0007947, OMIM 154700.
Familial thoracic aortic aneurysm and aortic dissection (TAAD). Also called: Thoracic aortic aneurysms and dissections. Identifiers: Orphanet 91387, MedGen C4707243, MONDO:0019625.

Submission:

Labcorp Genetics (formerly Invitae), Labcorp
Classification: Uncertain significance for Marfan syndrome; Familial thoracic aortic aneurysm and aortic dissection. Last evaluated: 2023-08-30. Review status: criteria provided, single submitter. Criteria: Invitae Variant Classification Sherloc (09022015). Collection method: clinical testing. Allele origin: germline.
Comment: In summary, the available evidence is currently insufficient to determine the role of this variant in disease. Therefore, it has been classified as a Variant of Uncertain Significance. Algorithms developed to predict the effect of sequence changes on RNA splicing suggest that this variant may disrupt the consensus splice site. ClinVar contains an entry for this variant (Variation ID: 406270). This variant has not been reported in the literature in individuals affected with FBN1-related conditions. This variant is not present in population databases (gnomAD no frequency). This sequence change falls in intron 7 of the FBN1 gene. It does not directly change the encoded amino acid sequence of the FBN1 protein.